The following continues an entry in ClinVar:

NM_000059.4(BRCA2):c.7976G>A (p.Arg2659Lys)

Gene: BRCA2. ClinVar aggregate classification (germline): Pathogenic. Pathogenic (22).

Submissions 9 to 25 of 31:

Women's Health and Genetics/Laboratory Corporation of America, LabCorp
Classification: Pathogenic for Hereditary breast ovarian cancer syndrome. Last evaluated: 2024-06-05. Review status: criteria provided, single submitter. Criteria: LabCorp Variant Classification Summary - May 2015. Collection method: clinical testing. Allele origin: germline.
Comment: Variant summary: BRCA2 c.7976G>A (p.Arg2659Lys) results in a conservative amino acid change in the encoded protein sequence. Four of five in-silico tools predict a damaging effect of the variant on protein function. Several computational tools predict a significant impact on normal splicing: One predict the variant weakens a 5' donor site. At least one publication reports experimental evidence that this variant affects mRNA splicing (Hofmann_2003, Fraile-Bethencourt_2017). The variant allele was found at a frequency of 4e-06 in 252086 control chromosomes. c.7976G>A has been reported in the literature in individuals affected with Hereditary Breast And Ovarian Cancer Syndrome (e.g. Hofmann_2003_Wu_2005, Konstantopoulou_2014, Susswein_2016, Tung_2015). These data indicate that the variant is likely to be associated with disease. Several publications report experimental evidence evaluating an impact on protein function demonstrate an impact on protein function ( Wu_2005, Farrugia_2008). The following publications have been ascertained in the context of this evaluation (PMID: 15695382, 21990134, 17924331, 18451181, 23231788, 24010542, 12624152, 26681312, 28339459, 27060066, 25186627). ClinVar contains an entry for this variant (Variation ID: 38131). Based on the evidence outlined above, the variant was classified as pathogenic.

Clinical Genetics Laboratory, Skane University Hospital Lund
Classification: Pathogenic. Last evaluated: 2024-02-01. Review status: criteria provided, single submitter. Criteria: ACMG Guidelines, 2015. Collection method: clinical testing. Allele origin: germline. Affected: yes.

Color Diagnostics, LLC DBA Color Health
Classification: Pathogenic for Hereditary cancer-predisposing syndrome. Last evaluated: 2024-01-29. Review status: criteria provided, single submitter. Criteria: ACMG Guidelines, 2015. Collection method: clinical testing. Allele origin: germline.
Comment: This missense variant replaces arginine with lysine at codon 2659 in the DNA binding domain of the BRCA2 protein. Computational prediction suggests that this variant may have deleterious impact on protein structure and function (internally defined REVEL score threshold >= 0.7, PMID: 27666373). RNA studies have shown that this variant causes in-frame skipping of exon 17, resulting in the loss of a functional domain (DNA binding domain) (PMID: 28339459). Functional studies have shown that this variant decreases homology-directed DNA repair activity of the BRCA2 protein (PMID: 15695382, 18451181). This variant has been detected in at least 10 individuals affected with breast or ovarian cancer (PMID: 12624152, 24010542, 26681312, 28008555, 33471991; Leiden Open Variation Database DB-ID BRCA2_000249, 34296289, 34445631, 34680387). This variant has been identified in 1/251134 chromosomes in the general population by the Genome Aggregation Database (gnomAD). Loss of BRCA2 function is a known mechanism of disease. Based on the available evidence, this variant is classified as Pathogenic.

Baylor Genetics
Classification: Pathogenic for Familial cancer of breast. Last evaluated: 2023-10-04. Review status: criteria provided, single submitter. Criteria: ACMG Guidelines, 2015. Collection method: clinical testing. Allele origin: unknown.

Institute of Human Genetics, FAU Erlangen, Friedrich-Alexander-Universität Erlangen-Nürnberg
Classification: Pathogenic. Last evaluated: 2023-08-02. Review status: criteria provided, single submitter. Criteria: Hauer et al. (Genet Med. 2018). Collection method: clinical testing. Allele origin: germline. Inheritance: Unknown mechanism. Affected: yes. Observed: 1 variant allele.
Comment: This variant has been identified by standard clinical testing. Metastatic Breast Cancer Selected ACMG criteria: Pathogenic (III):PP5;PP3;PM5;PM2;PS4

Mayo Clinic Laboratories, Mayo Clinic
Classification: Pathogenic. Last evaluated: 2023-06-28. Review status: criteria provided, single submitter. Criteria: ACMG Guidelines, 2015. Collection method: clinical testing. Allele origin: germline. Observed: 1 variant allele.
Comment: PP4, PP5, PM2, PM4, PS3

GeneDx
Classification: Pathogenic. Last evaluated: 2022-08-04. Review status: criteria provided, single submitter. Criteria: GeneDx Variant Classification Process June 2021. Collection method: clinical testing. Allele origin: germline. Affected: yes.
Comment: Located at the last nucleotide of the exon and demonstrated to result in abnormal splicing leading to in-frame skipping of the adjacent exon (Yang et al., 2002; Hofmann et al., 2003; Wu et al., 2005; Fraile-Bethencourt et al., 2017); Published functional studies demonstrate a damaging effect: inactivation of BRCA2 function with respect to cellular localization, cell survival, homologous recombination repair, and centrosome regulatory functions (Wu et al., 2005; Farrugia et al., 2008; Zhang et al., 2015); Observed in individuals with BRCA2-related cancers, with evidence of segregation in some cases (Konstantopoulou et al., 2014; Susswein et al., 2016; Pritzlaff et al., 2017; Herold et al., 2018); Multifactorial studies suggest this variant is associated with breast and ovarian cancer (Easton et al., 2007; Lindor et al., 2012); Not observed at a significant frequency in large population cohorts (gnomAD); Also known as 8204G>A; This variant is associated with the following publications: (PMID: 19043619, 21638052, 26300996, 28008555, 29969168, 28277317, 25186627, 23231788, 25525159, 17924331, 26489468, 24010542, 26913838, 26681312, 25447315, 18059333, 28339459, 28454591, 26295337, 17576681, 29541174, 29394989, 31191615, 29446198, 31131967, 12228710, 18451181, 12624152, 15695382, 32885271, 21990134, 30787465, 31360904)

Institute for Clinical Genetics, University Hospital TU Dresden, University Hospital TU Dresden
Classification: Pathogenic. Last evaluated: 2021-11-03. Review status: criteria provided, single submitter. Criteria: ACMG Guidelines, 2015. Collection method: clinical testing. Allele origin: germline.

Sema4
Classification: Pathogenic for Hereditary cancer-predisposing syndrome. Last evaluated: 2021-05-29. Review status: criteria provided, single submitter. Criteria: Sema4 Curation Guidelines. Collection method: curation. Allele origin: germline.
Comment: The BRCA2 c.7976G>A (p.R2659K) variant has been reported in heterozygosity in at least 25 individuals with breast cancer including at least one male individual (PMID: 12624152, 26681312, 25186627, 28008555, 32885271). It is also known as 8204G>A in the literature. RNA analysis has shown that this variant effects splicing of exon 17 leading to a 171 bp in-frame deletion (PMID: 12624152, 18451181, 31843900). Additional functional studies have shown that this variant alters the homologous recombination repair activity, cell survival, cellular localization, and centrosome regulatory functions of the protein (PMID: 15695382, 18451181). This variant was observed in 1/113492 chromosomes in the Non-Finnish European population according to the Genome Aggregation Database (PMID: 32461654). This variant has been reported in ClinVar (Variation ID: 38131). Based on the current evidence available, this variant is interpreted as pathogenic.

GeneKor MSA
Classification: Pathogenic for Hereditary breast and ovarian cancer syndrome. Last evaluated: 2020-01-01. Review status: criteria provided, single submitter. Criteria: ACMG Guidelines, 2015. Collection method: clinical testing. Allele origin: germline. Affected: yes.
Comment: This variant is a single base substitution at the last nucleotide of exon 17 of the BRCA2 coding sequence which results in a single amino acid change from Arginine to Lysine at amino acid residue 2659 of the BRCA2 gene. The Arginine residue is highly conserved in a functional domain of the protein and there is a small physiochemical difference between Arginine and Lysine (Grantham Score 26). This variant has been reported in the literature in patients with breast and/or ovarian cancer (PMID: 12624152, 24010542, 26681312). This variant is also known as 8204G>A in the international literature and is present in population databases at a low frequency (rs80359027, <0.01%). Nucleotide substitutions within the consensus splice site are relatively common causes of aberrant splicing (PMID: 17576681). RNA analyses of patients carrying this variant have shown that this variant causes aberrant splicing, resulting in skipping of exon 17 and a loss of 57 amino acid residues from the BRCA2 protein. Experimental analysis of the functional effects of this variant showed that results in inactivation of the BRCA2 protein and a cytoplasmic localization (PMID: 15695382). The mutation database ClinVar contains an entry for this variant (Variation ID: 38131).

Cancer Genetics and Genomics Laboratory, British Columbia Cancer Agency
Classification: Pathogenic for Hereditary breast ovarian cancer syndrome. Last evaluated: 2017-04-18. Review status: criteria provided, single submitter. Criteria: ACMG Guidelines, 2015. Collection method: clinical testing. Allele origin: germline. Study: The Canadian Open Genetics Repository (COGR).

Clinical Genetics and Genomics, Karolinska University Hospital
Classification: Pathogenic. Last evaluated: 2017-01-25. Review status: criteria provided, single submitter. Criteria: ACMG Guidelines, 2015. Collection method: clinical testing. Allele origin: germline. Affected: yes. Observed: 2 variant alleles.

Consortium of Investigators of Modifiers of BRCA1/2 (CIMBA), c/o University of Cambridge
Classification: Pathogenic for Breast-ovarian cancer, familial, susceptibility to, 2. Last evaluated: 2015-10-02. Review status: criteria provided, single submitter. Criteria: CIMBA Mutation Classification guidelines May 2016. Collection method: clinical testing. Allele origin: germline.

Clinical Genetics DNA and cytogenetics Diagnostics Lab, Erasmus MC, Erasmus Medical Center
Classification: Pathogenic for Breast-ovarian cancer, familial, susceptibility to, 2. Last evaluated: 2015-09-21. Review status: criteria provided, single submitter. Criteria: ACGS Guidelines, 2013. Collection method: clinical testing. Allele origin: germline. Affected: yes. Study: VKGL Data-share Consensus.

King Laboratory, University of Washington
Classification: Pathogenic for Hereditary breast and ovarian cancer syndrome; Breast-ovarian cancer, familial 2. Last evaluated: 2019-09-01. Review status: no assertion criteria provided. Collection method: research. Allele origin: germline. Affected: yes. Not counted in ClinVar's aggregate classification.
Comment: Transcript analysis by cBROCA

German Consortium for Hereditary Breast and Ovarian Cancer, University Hospital Cologne
Classification: Pathogenic for Ovarian neoplasm. Last evaluated: 2018-12-01. Review status: no assertion criteria provided. Collection method: research. Allele origin: germline. Affected: yes. Not counted in ClinVar's aggregate classification.

Counsyl
Classification: Pathogenic for Breast-ovarian cancer, familial, susceptibility to, 2. Last evaluated: 2016-04-07. Review status: no assertion criteria provided. Collection method: clinical testing. Allele origin: unknown. Not counted in ClinVar's aggregate classification.